The following is an entry in ClinVar:

NM_000541.5(SAG):c.926del (p.Asn309fs)

Gene: SAG (S-antigen visual arrestin; plus strand). Cytogenetic location: 2q37.1.
Variant type: Deletion.
Coding change: c.926del on transcript NM_000541.5 (MANE Select); coding-DNA position 926, one base deleted (A; older notation c.926delA).
Protein change: p.Asn309fs; shifts the reading frame from asparagine 309.
Molecular consequence: frameshift variant.
Genome position (GRCh38, 1-based): chr2:233,335,081, A deleted; the last of 3 consecutive A bases (chr2:233,335,079-233,335,081); deleting any one gives the same sequence. VCF-style (leftmost placement, unchanged base first): chr2-233335078-CA-C. GRCh37 (hg19) VCF-style: chr2-234243724-CA-C.
Other names: c.926delA (NM_000541.5); short protein forms N309fs.
Identifiers: ClinVar variation 12951 (VCV000012951.8), dbSNP rs587776778, ClinGen allele CA122802.

ClinVar aggregate classification (germline): Pathogenic. Review status: criteria provided, multiple submitters, no conflicts (2 of 4 stars). 6 submissions from 5 submitters: Pathogenic (4). 2 of the submissions do not count toward it. Last evaluated 2024-12-23.

Conditions:
Oguchi disease. Also called: Oguchi's disease. Identifiers: Orphanet 75382, MedGen C1306122, MONDO:0019152.
Retinitis pigmentosa 47 (RP47). Identifiers: Orphanet 791, MedGen C3151061, MONDO:0013407, OMIM 613758.
Retinal dystrophy. Also called: Inherited retinal dystrophy. Identifiers: Orphanet 71862, MedGen C0854723, MeSH D058499, MONDO:0019118, HP:0000556.
SAG-related disorder. Also called: SAG-related condition; SAG-related disorders.

Submissions (6):

Labcorp Genetics (formerly Invitae), Labcorp
Classification: Pathogenic. Last evaluated: 2024-12-23. Review status: criteria provided, single submitter. Criteria: Invitae Variant Classification Sherloc (09022015). Collection method: clinical testing. Allele origin: germline.
Comment: This sequence change creates a premature translational stop signal (p.Asn309Thrfs*12) in the SAG gene. It is expected to result in an absent or disrupted protein product. Loss-of-function variants in SAG are known to be pathogenic (PMID: 9452120, 15234147, 22665972). This variant is present in population databases (rs754158163, gnomAD 0.02%). This premature translational stop signal has been observed in individual(s) with Oguchi disease or retinitis pigmentosa (PMID: 7670478, 21447990, 21987685, 25268133, 31213501, 31257036). This variant is also known as 1147delA and c.924delA. ClinVar contains an entry for this variant (Variation ID: 12951). For these reasons, this variant has been classified as Pathogenic.

Dept Of Ophthalmology, Nagoya University
Classification: Pathogenic for Retinal dystrophy. Last evaluated: 2023-10-01. Review status: criteria provided, single submitter. Criteria: Submitter's publication. Collection method: research. Allele origin: germline. Affected: yes.

Illumina Laboratory Services, Illumina
Classification: Pathogenic for SAG-Related Disorders. Last evaluated: 2017-05-09. Review status: criteria provided, single submitter. Criteria: ICSL Variant Classification Criteria 09 May 2019. Collection method: clinical testing. Allele origin: germline.
Comment: Across a selection of the available literature, the SAG c.926delA (p.Asn309ThrfsTer12) variant has been identified in a homozygous state in 18 patients and in a heterozygous state in one patient, all of whom were diagnosed with Oguchi disease or retinitis pigmentosa (Fuchs et al. 1995; Saga et al. 2004; Yoshida et al. 2006; Fujinami et al. 2011; Hayashi et al. 2011; Sonoyama et al. 2011; Katagiri et al. 2014). The variant was also found in at least 12 unaffected heterozygous carriers (Fuchs et al. 1994; Yoshida et al. 2006). The p.Asn309ThrfsTer12 variant was reported in six of 1368 control alleles and is reported at a frequency of 0.00035 in the East Asian population of the Exome Aggregation Consortium. The p.Asn309ThrfsTer12 variant is reported to be the most common cause of Oguchi disease in Japanese individuals where it has been shown to be inherited from a single founder (Saga et al. 2004). Based on the collective evidence, the p.Asn309ThrfsTer12 variant is classified as pathogenic for SAG-related disorders. This variant was observed by ICSL as part of a predisposition screen in an ostensibly healthy population.

Knight Diagnostic Laboratories, Oregon Health and Sciences University
Classification: Pathogenic for Oguchi disease-1. Last evaluated: 2016-03-30. Review status: criteria provided, single submitter. Criteria: ACMG Guidelines, 2015. Collection method: clinical testing. Allele origin: germline. Affected: no. Study: CSER-NextGen.
Comment: The c.926delA (p.Asn309Thrfs*12) frameshift variant in the SAG gene is a known variant that is predicted to introduce a premature termination codon. It has been previously reported in at least eight individuals affected with autosomal recessive Oguchi Disease (Fuchs et al., 1995; Nakamura et al., 2004; Hayashi et al., 2011; Katagiri et al., 2014). In one of the affected individuals, this variant was reported in trans with a likely pathogenic nonsense variant (Arg175ter) (Nakamura et al., 2004). Frameshift and nonsense variants are the only types of variants reported in affected individuals; this suggests that loss-of-function is a common mechanism of disease. This variant is absent or present at low frequency in the population databases (Exome Sequencing Project = NA; 1000 Genomes = NA; ExAC = 0.035%). Therefore, this collective evidence supports the classification of the c.926delA (p.Asn309Thrfs*12) as a Pathogenic variant for Oguchi Disease.

OMIM
Classification: Pathogenic for OGUCHI DISEASE 1. Last evaluated: 2004-07-01. Review status: no assertion criteria provided. Collection method: literature only. Allele origin: germline. Not counted in ClinVar's aggregate classification.

OMIM
Classification: Pathogenic for RETINITIS PIGMENTOSA 47. Last evaluated: 2004-07-01. Review status: no assertion criteria provided. Collection method: literature only. Allele origin: germline. Not counted in ClinVar's aggregate classification.

Literature cited by the submitters: PubMed 9452120 (cited by Labcorp Genetics (formerly Invitae), Labcorp); PubMed 15234147 (cited by Labcorp Genetics (formerly Invitae), Labcorp and OMIM); PubMed 22665972 (cited by Labcorp Genetics (formerly Invitae), Labcorp); PubMed 7670478 (cited by 3 submitters); PubMed 21447990 (cited by Labcorp Genetics (formerly Invitae), Labcorp and Illumina Laboratory Services, Illumina); PubMed 21987685 (cited by Labcorp Genetics (formerly Invitae), Labcorp and Illumina Laboratory Services, Illumina); PubMed 25268133 (cited by Labcorp Genetics (formerly Invitae), Labcorp and Illumina Laboratory Services, Illumina); PubMed 31213501 (cited by Labcorp Genetics (formerly Invitae), Labcorp); PubMed 31257036 (cited by Labcorp Genetics (formerly Invitae), Labcorp); PubMed 15295660 (cited by Illumina Laboratory Services, Illumina); PubMed 21922265 (cited by Illumina Laboratory Services, Illumina); PubMed 17200654 (cited by Illumina Laboratory Services, Illumina); PubMed 9565049 (cited by OMIM).